The following is an entry in ClinVar:

NM_004006.3(DMD):c.7602C>T (p.Ala2534=)

Gene: DMD (dystrophin; minus strand). Cytogenetic location: Xp21.1.
Variant type: single nucleotide variant.
Coding change: c.7602C>T on transcript NM_004006.3 (MANE Select); coding-DNA position 7602, C replaced by T.
Protein change: p.Ala2534=; no amino-acid change (alanine 2534 retained).
Molecular consequence: synonymous variant.
Genome position (GRCh38, 1-based): chrX:31,729,689, G>A on the plus strand (C>T on the coding strand, the complement: DMD is on the minus strand). VCF-style: chrX-31729689-G-A. GRCh37 (hg19) VCF-style: chrX-31747806-G-A.
Other names: c.7578C>T, p.Ala2526= (NM_000109.4); c.7590C>T, p.Ala2530= (NM_004009.3); c.7233C>T, p.Ala2411= (NM_004010.3); c.3579C>T, p.Ala1193= (NM_004011.4); c.3570C>T, p.Ala1190= (NM_004012.4); c.222C>T, p.Ala74= (NM_004013.3, NM_004020.4, NM_004021.3 and 2 more transcripts).
Identifiers: ClinVar variation 498352 (VCV000498352.19), dbSNP rs748309027, ClinGen allele CA10378244.
Genomic context (GRCh38, chrX:31,729,689, plus strand): 5'-ACTTCGATCCGTAATGATTGTTCTAGCCTCTTGATTGCTGGTCTTGTTTTTCAAATTTTG[G>A]GCAGCGGTAATGAGTTCTTCCAACTGGGGACGCCTCTGTTCCAAATCCTGCATTGTTGCC-3'
Protein context (NP_003997.2, residues 2524-2544): RPQLEELITA[Ala2534=]QNLKNKTSNQ

ClinVar aggregate classification (germline): Conflicting classifications of pathogenicity. Review status: criteria provided, conflicting classifications (1 of 4 stars). 6 submissions from 6 submitters: Uncertain significance (1); Likely benign (4). 1 of the submissions does not count toward it. Last evaluated 2026-01-19.

Conditions:
Cardiovascular phenotype. Identifiers: MedGen CN230736.
Duchenne muscular dystrophy (DMD). Also called: MUSCULAR DYSTROPHY, PSEUDOHYPERTROPHIC PROGRESSIVE, DUCHENNE TYPE; Duchenne Muscular Dystrophy (DMD). Identifiers: Orphanet 98896, MedGen C0013264, MONDO:0010679, OMIM 310200.
Becker muscular dystrophy (BMD). Also called: Becker Muscular Dystrophy (BMD); MUSCULAR DYSTROPHY, PSEUDOHYPERTROPHIC PROGRESSIVE, BECKER TYPE. Identifiers: Orphanet 98895, MedGen C0917713, MONDO:0010311, OMIM 300376.
Dystrophin deficiency.
Cardiomyopathy (CMYO). Also called: Cardiomyopathies. Identifiers: Orphanet 167848, MedGen C0878544, MONDO:0004994, HP:0001638. Inheritance: Various modes of inheritance.

Allele frequency attached by ClinVar (database versions not stated): ExAC 0.00001; gnomAD exomes 0.00001 and 0.00002; gnomAD 0.00002; TOPMed 0.00002.
gnomAD v4.1: 21 of 1,209,458 alleles (0.0017%); highest among the groups gnomAD compares: Non-Finnish European, 0.0022%; no homozygotes.

Submissions (6):

Labcorp Genetics (formerly Invitae), Labcorp
Classification: Likely benign for Duchenne muscular dystrophy. Last evaluated: 2026-01-19. Review status: criteria provided, single submitter. Criteria: Invitae Variant Classification Sherloc (09022015). Collection method: clinical testing. Allele origin: germline.

Blueprint Genetics
Classification: Likely benign. Last evaluated: 2024-10-16. Review status: criteria provided, single submitter. Criteria: ACMG Guidelines, 2015. Collection method: clinical testing. Allele origin: germline.

Ambry Genetics
Classification: Likely benign for Cardiovascular phenotype. Last evaluated: 2022-08-22. Review status: criteria provided, single submitter. Criteria: Ambry Variant Classification Scheme 2023. Collection method: clinical testing. Allele origin: germline.

GeneDx
Classification: Likely benign. Last evaluated: 2017-08-28. Review status: criteria provided, single submitter. Criteria: GeneDx Variant Classification (06012015). Collection method: clinical testing. Allele origin: germline. Affected: yes.
Comment: This variant is considered likely benign or benign based on one or more of the following criteria: it is a conservative change, it occurs at a poorly conserved position in the protein, it is predicted to be benign by multiple in silico algorithms, and/or has population frequency not consistent with disease.

Eurofins Ntd Llc (ga)
Classification: Uncertain significance. Last evaluated: 2016-11-28. Review status: criteria provided, single submitter. Criteria: EGL Classification Definitions 2015. Collection method: clinical testing. Allele origin: germline. Observed: 1 variant allele, 1 heterozygote.

Natera, Inc.
Classification: Likely benign for Becker muscular dystrophy; Cardiomyopathy; Duchenne muscular dystrophy; Dystrophin deficiency. Last evaluated: 2020-05-12. Review status: no assertion criteria provided. Collection method: clinical testing. Allele origin: germline. Not counted in ClinVar's aggregate classification.